The following is an entry in ClinVar:

ClinVar aggregate classification (germline): Uncertain significance. Review status: criteria provided, multiple submitters, no conflicts (2 of 4 stars). 2 submissions from 2 submitters: Uncertain significance (2). Last evaluated 2025-03-17.

Conditions:
Early Myoclonic Encephalopathy. Identifiers: MedGen C0270855.

Allele frequency attached by ClinVar (database versions not stated): gnomAD 0.00002 and 0.00005; TOPMed 0.00006; ExAC 0.00007; ESP Exome Variant Server 0.00008.
gnomAD v4.1: 66 of 1,613,988 alleles (0.0041%); highest among the groups gnomAD compares: South Asian, 0.022%; no homozygotes.

Submissions (2):

Labcorp Genetics (formerly Invitae), Labcorp
Classification: Uncertain significance for Early Myoclonic Encephalopathy. Last evaluated: 2025-03-17. Review status: criteria provided, single submitter. Criteria: Invitae Variant Classification Sherloc (09022015). Collection method: clinical testing. Allele origin: germline.
Comment: This sequence change replaces valine, which is neutral and non-polar, with methionine, which is neutral and non-polar, at codon 1084 of the JMJD1C protein (p.Val1084Met). This variant is present in population databases (rs200952020, gnomAD 0.03%). This variant has not been reported in the literature in individuals affected with JMJD1C-related conditions. ClinVar contains an entry for this variant (Variation ID: 936058). Invitae Evidence Modeling of protein sequence and biophysical properties (such as structural, functional, and spatial information, amino acid conservation, physicochemical variation, residue mobility, and thermodynamic stability) indicates that this missense variant is not expected to disrupt JMJD1C protein function with a negative predictive value of 80%. In summary, the available evidence is currently insufficient to determine the role of this variant in disease. Therefore, it has been classified as a Variant of Uncertain Significance.

Ambry Genetics
Classification: Uncertain significance. Last evaluated: 2023-10-10. Review status: criteria provided, single submitter. Criteria: Ambry Variant Classification Scheme 2023. Collection method: clinical testing. Allele origin: germline.

NM_032776.3(JMJD1C):c.3250G>A (p.Val1084Met)

Gene: JMJD1C (jumonji domain containing 1C; minus strand). Cytogenetic location: 10q21.3.
Variant type: single nucleotide variant.
Coding change: c.3250G>A on transcript NM_032776.3 (MANE Select); coding-DNA position 3250, G replaced by A.
Protein change: p.Val1084Met; replaces valine 1084 with methionine.
Molecular consequence: missense variant. On other transcripts: non-coding transcript variant (1).
Genome position (GRCh38, 1-based): chr10:63,208,419, C>T on the plus strand (G>A on the coding strand, the complement: JMJD1C is on the minus strand). VCF-style: chr10-63208419-C-T. GRCh37 (hg19) VCF-style: chr10-64968179-C-T.
Other names: c.2704G>A, p.Val902Met (NM_001282948.2, NM_001318154.2); c.2386G>A, p.Val796Met (NM_001318153.2); c.3136G>A, p.Val1046Met (NM_001322252.2); c.2593G>A, p.Val865Met (NM_001322254.2, NM_001322258.2); c.3250G>A (NM_032776.1); short protein forms V1046M, V1084M, V796M, V865M, V902M.
Identifiers: ClinVar variation 936058 (VCV000936058.10), dbSNP rs200952020, ClinGen allele CA5518464.